The following is an entry in ClinVar:

NM_001083601.3(NAA60):c.705C>G (p.Gly235=)

Gene: NAA60 (N-alpha-acetyltransferase 60, NatF catalytic subunit; plus strand). Cytogenetic location: 16p13.3.
Variant type: single nucleotide variant.
Coding change: c.705C>G on transcript NM_001083601.3 (MANE Select); coding-DNA position 705, C replaced by G.
Protein change: p.Gly235=; no amino-acid change (glycine 235 retained).
Molecular consequence: synonymous variant. On other transcripts: missense variant (3).
Genome position (GRCh38, 1-based): chr16:3,484,831, C>G. VCF-style: chr16-3484831-C-G. GRCh37 (hg19) VCF-style: chr16-3534831-C-G.
Other names: c.705C>G, p.Gly235= (NM_001083600.3, NM_024845.4); c.726C>G, p.Gly242= (NM_001317093.1); c.381C>G, p.Gly127= (NM_001317094.2); c.510C>G, p.Gly170= (NM_001317095.2); c.478C>G, p.His160Asp (NM_001317096.2); c.407C>G, p.Ala136Gly (NM_001317097.2, NM_001317098.2); short protein forms A136G, H160D.
Identifiers: ClinVar variation 4681275 (VCV004681275.5).

ClinVar aggregate classification (germline): Benign (1 of 4 stars; one submission).

gnomAD v4.1: 13,447 of 1,566,884 alleles (0.86%); highest among the groups gnomAD compares: South Asian, 1.1%; 82 homozygotes.

Submission:

CeGaT Center for Human Genetics Tuebingen
Classification: Benign. Last evaluated: 2026-07-01. Review status: criteria provided, single submitter. Criteria: CeGaT Center For Human Genetics Tuebingen Variant Classification Criteria Version 2. Collection method: clinical testing. Allele origin: germline. Affected: yes. Observed: 3 variant alleles.
Comment: NAA60: BP4, BS1, BS2